The following is an entry in ClinVar:

NM_000439.5(PCSK1):c.1029C>T (p.Tyr343=)

Genes: CAST (calpastatin; plus strand), PCSK1 (proprotein convertase subtilisin/kexin type 1; minus strand), LOC101929710 (uncharacterized LOC101929710; plus strand). Cytogenetic location: 5q15.
Variant type: single nucleotide variant.
Coding change: c.1029C>T on transcript NM_000439.5 (MANE Select); coding-DNA position 1029, C replaced by T.
Protein change: p.Tyr343=; no amino-acid change (tyrosine 343 retained).
Molecular consequence: synonymous variant. On other transcripts: intron variant (11).
Genome position (GRCh38, 1-based): chr5:96,410,840, G>A on the plus strand (C>T on the coding strand, the complement: PCSK1 is on the minus strand). VCF-style: chr5-96410840-G-A. GRCh37 (hg19) VCF-style: chr5-95746544-G-A.
Other names: c.-103+31188G>A (NM_001423253.1); c.-175+31188G>A (NM_001423255.1, NM_001423250.1, NM_001423251.1 and 6 more transcripts); c.-40+31188G>A (NM_001423258.1); c.888C>T, p.Tyr296= (NM_001177875.2).
Identifiers: ClinVar variation 4978867 (VCV004978867.1).
Genomic context (GRCh38, chr5:96,410,840, plus strand): 5'-CTGGTCGGTGTAATCTCCGCTGCTGTAAGAGGTGGCCAGTGTGGAGGAGCACTTCTCAGC[G>A]TACCAGGGGGATAGGCCTTGCTGGGAGGCACTGCTGATGGAGATGGTGTAGATGCTGTCT-3'
Protein context (NP_000430.3, residues 333-353): SASQQGLSPW[Tyr343=]AEKCSSTLAT

ClinVar aggregate classification (germline): Likely benign (1 of 4 stars; one submission).

Conditions:
PCSK1-related disorder. Also called: PCSK1-related condition.

gnomAD v4.1: 41 of 1,613,988 alleles (0.0025%); highest among the groups gnomAD compares: South Asian, 0.0077%; no homozygotes.

Submission:

PreventionGenetics, part of Exact Sciences
Classification: Likely benign for PCSK1-related condition. Last evaluated: 2025-05-22. Review status: criteria provided, single submitter. Criteria: ACMG Guidelines, 2015. Collection method: clinical testing. Allele origin: germline.
Comment: This variant is classified as likely benign based on ACMG/AMP sequence variant interpretation guidelines (Richards et al. 2015 PMID: 25741868, with internal and published modifications).